The following is an entry in ClinVar:

ClinVar aggregate classification (germline): Uncertain significance (1 of 4 stars; one submission).

Allele frequency attached by ClinVar (database versions not stated): gnomAD exomes below 0.00001.
gnomAD v4.1: 1 of 1,613,470 alleles (0.000062%); highest among the groups gnomAD compares: Non-Finnish European, 0.000085%; no homozygotes.

Submission:

Labcorp Genetics (formerly Invitae), Labcorp
Classification: Uncertain significance. Last evaluated: 2023-05-20. Review status: criteria provided, single submitter. Criteria: Invitae Variant Classification Sherloc (09022015). Collection method: clinical testing. Allele origin: germline.
Comment: This variant has not been reported in the literature in individuals affected with RAI1-related conditions. This sequence change replaces glycine, which is neutral and non-polar, with valine, which is neutral and non-polar, at codon 1326 of the RAI1 protein (p.Gly1326Val). This variant is not present in population databases (gnomAD no frequency). Advanced modeling of protein sequence and biophysical properties (such as structural, functional, and spatial information, amino acid conservation, physicochemical variation, residue mobility, and thermodynamic stability) performed at Invitae indicates that this missense variant is expected to disrupt RAI1 protein function. In summary, the available evidence is currently insufficient to determine the role of this variant in disease. Therefore, it has been classified as a Variant of Uncertain Significance.

NM_030665.4(RAI1):c.3977G>T (p.Gly1326Val)

Gene: RAI1 (retinoic acid induced 1; plus strand). Cytogenetic location: 17p11.2.
Variant type: single nucleotide variant.
Coding change: c.3977G>T on transcript NM_030665.4 (MANE Select); coding-DNA position 3977, G replaced by T.
Protein change: p.Gly1326Val; replaces glycine 1326 with valine.
Molecular consequence: missense variant.
Genome position (GRCh38, 1-based): chr17:17,796,925, G>T. VCF-style: chr17-17796925-G-T. GRCh37 (hg19) VCF-style: chr17-17700239-G-T.
Other names: short protein forms G1326V.
Identifiers: ClinVar variation 2920046 (VCV002920046.3), dbSNP rs2543616640, ClinGen allele CA398555460.